The following is an entry in ClinVar:

ClinVar aggregate classification (germline): Likely benign. Review status: criteria provided, multiple submitters, no conflicts (2 of 4 stars). 3 submissions from 3 submitters: Likely benign (3). Last evaluated 2025-11-26.

Conditions:
TTN-related disorder. Also called: TTN-related disorders; TTN-related condition; TTN-related disease.
Dilated cardiomyopathy 1G (CMD1G). Identifiers: Orphanet 154, MedGen C1858763, MONDO:0011400, OMIM 604145.
Autosomal recessive limb-girdle muscular dystrophy type 2J (LGMDR10). Also called: Limb-girdle muscular dystrophy, type 2J; MUSCULAR DYSTROPHY, LIMB-GIRDLE, AUTOSOMAL RECESSIVE 10. Identifiers: Orphanet 140922, MedGen C1837342, MONDO:0012127, OMIM 608807.

Allele frequency attached by ClinVar (database versions not stated): TOPMed 0.00006.
gnomAD v4.1: 8 of 1,612,500 alleles (0.0005%); highest among the groups gnomAD compares: African/African-American, 0.011%; no homozygotes.

Submissions (3):

Labcorp Genetics (formerly Invitae), Labcorp
Classification: Likely benign for Dilated cardiomyopathy 1G; Autosomal recessive limb-girdle muscular dystrophy type 2J. Last evaluated: 2025-11-26. Review status: criteria provided, single submitter. Criteria: Invitae Variant Classification Sherloc (09022015). Collection method: clinical testing. Allele origin: germline.

PreventionGenetics, part of Exact Sciences
Classification: Likely benign for TTN-related condition. Last evaluated: 2025-07-24. Review status: criteria provided, single submitter. Criteria: ACMG Guidelines, 2015. Collection method: clinical testing. Allele origin: germline.
Comment: This variant is classified as likely benign based on ACMG/AMP sequence variant interpretation guidelines (Richards et al. 2015 PMID: 25741868, with internal and published modifications).

Laboratory for Molecular Medicine, Mass General Brigham Personalized Medicine
Classification: Likely benign. Last evaluated: 2015-04-07. Review status: criteria provided, single submitter. Criteria: LMM Criteria. Collection method: clinical testing. Allele origin: germline. Observed: 1 variant allele.
Comment: c.45298+10G>T in intron 225 of TTN: This variant is not expected to have clinica l significance because it is not located within the splice consensus sequence.

NM_001267550.2(TTN):c.53002+10G>T

Genes: TTN (titin; minus strand), TTN-AS1 (TTN antisense RNA 1; plus strand), LOC126806425 (BRD4-independent group 4 enhancer GRCh37_chr2:179471933-179473132; plus strand). Cytogenetic location: 2q31.2.
Variant type: single nucleotide variant.
Coding change: c.53002+10G>T on transcript NM_001267550.2 (MANE Select); 10 bases into the intron after coding-DNA position 53002, G replaced by T.
Molecular consequence: intron variant.
Genome position (GRCh38, 1-based): chr2:178,607,775, C>A on the plus strand (G>T on the coding strand, the complement: TTN is on the minus strand). VCF-style: chr2-178607775-C-A. GRCh37 (hg19) VCF-style: chr2-179472502-C-A.
Other names: c.25807+10G>T (NM_003319.4); c.26383+10G>T (NM_133437.4); c.26182+10G>T (NM_133432.3); c.45298+10G>T (NM_133378.4); c.48079+10G>T (NM_001256850.1).
Identifiers: ClinVar variation 228107 (VCV000228107.15), dbSNP rs370352450, ClinGen allele CA10576515.